The following is an entry in ClinVar:

ClinVar aggregate classification (germline): Likely benign. Review status: criteria provided, multiple submitters, no conflicts (2 of 4 stars). 2 submissions from 2 submitters: Likely benign (2). Last evaluated 2025-09-27.

Conditions:
Early-infantile DEE. Also called: Ohtahara syndrome; Early infantile epileptic encephalopathy with suppression bursts; Early infantile epileptic encephalopathy. Identifiers: Orphanet 1934, MedGen C0393706, MONDO:0800491.

Allele frequency attached by ClinVar (database versions not stated): gnomAD 0.00003; TOPMed 0.00003; gnomAD exomes 0.00005 and 0.00008; ExAC 0.00008.
gnomAD v4.1: 119 of 1,608,994 alleles (0.0074%); highest among the groups gnomAD compares: Non-Finnish European, 0.0098%; no homozygotes.

Submissions (2):

Labcorp Genetics (formerly Invitae), Labcorp
Classification: Likely benign for Early-infantile DEE. Last evaluated: 2025-09-27. Review status: criteria provided, single submitter. Criteria: Invitae Variant Classification Sherloc (09022015). Collection method: clinical testing. Allele origin: germline.

GeneDx
Classification: Likely benign. Last evaluated: 2017-12-20. Review status: criteria provided, single submitter. Criteria: GeneDx Variant Classification (06012015). Collection method: clinical testing. Allele origin: germline. Affected: yes.
Comment: This variant is considered likely benign or benign based on one or more of the following criteria: it is a conservative change, it occurs at a poorly conserved position in the protein, it is predicted to be benign by multiple in silico algorithms, and/or has population frequency not consistent with disease.

NM_001191061.2(SLC25A22):c.909G>A (p.Gln303=)

Gene: SLC25A22 (solute carrier family 25 member 22; minus strand). Cytogenetic location: 11p15.5.
Variant type: single nucleotide variant.
Coding change: c.909G>A on transcript NM_001191061.2 (MANE Select); coding-DNA position 909, G replaced by A.
Protein change: p.Gln303=; no amino-acid change (glutamine 303 retained).
Molecular consequence: synonymous variant.
Genome position (GRCh38, 1-based): chr11:791,978, C>T on the plus strand (G>A on the coding strand, the complement: SLC25A22 is on the minus strand). VCF-style: chr11-791978-C-T. GRCh37 (hg19) VCF-style: chr11-791978-C-T.
Other names: c.909G>A, p.Gln303= (NM_001191060.2, NM_024698.6).
Identifiers: ClinVar variation 415721 (VCV000415721.11), dbSNP rs756957992, ClinGen allele CA5789006.
Genomic context (GRCh38, chr11:791,978, plus strand): 5'-GGCCTGGGGGTCCTGCAGCAGCCCCAGCAGGGACTCCGCGATGCCCAGGAAGTAGACCAC[C>T]TGTGCGATGCCGAAAAGGGGCGCGATGACCAGCGCGCGGCAGTAGGCGCCCTTCAGGAAG-3'
Protein context (NP_001177990.1, residues 293-313): LVIAPLFGIA[Gln303=]VVYFLGIAES